The following is an entry in ClinVar:

ClinVar aggregate classification (germline): Conflicting classifications of pathogenicity. Review status: criteria provided, conflicting classifications (1 of 4 stars). 2 submissions from 2 submitters: Likely pathogenic (1); Uncertain significance (1). Last evaluated 2025-03-10.

Conditions:
Hereditary cancer-predisposing syndrome. Also called: Tumor predisposition; Neoplastic Syndromes, Hereditary; Hereditary Cancer Syndrome; Hereditary neoplastic syndrome. Identifiers: Orphanet 140162, MedGen C0027672, MeSH D009386, MONDO:0015356.
Ataxia-telangiectasia syndrome (AT). Also called: Ataxia-telangiectasia; Ataxia-telangiectasia, complementation group D; AT, COMPLEMENTATION GROUP C; LOUIS-BAR SYNDROME; Cerebello-oculocutaneous telangiectasia; Immunodeficiency with ataxia telangiectasia. Identifiers: Orphanet 100, MedGen C0004135, MONDO:0008840, OMIM 208900.

Submissions (2):

Labcorp Genetics (formerly Invitae), Labcorp
Classification: Likely pathogenic for Ataxia-telangiectasia syndrome. Last evaluated: 2025-03-10. Review status: criteria provided, single submitter. Criteria: Invitae Variant Classification Sherloc (09022015). Collection method: clinical testing. Allele origin: germline.
Comment: This sequence change falls in intron 4 of the ATM gene. It does not directly change the encoded amino acid sequence of the ATM protein. RNA analysis indicates that this variant induces altered splicing and may result in an absent or altered protein product. This variant is not present in population databases (gnomAD no frequency). This variant has not been reported in the literature in individuals affected with ATM-related conditions. ClinVar contains an entry for this variant (Variation ID: 490524). Variants that disrupt the consensus splice site are a relatively common cause of aberrant splicing (PMID: 17576681, 9536098). Studies have shown that this variant results in skipping of exon 4, and produces a non-functional protein and/or introduces a premature termination codon (internal data). In summary, the currently available evidence indicates that the variant is pathogenic, but additional data are needed to prove that conclusively. Therefore, this variant has been classified as Likely Pathogenic.

Color Diagnostics, LLC DBA Color Health
Classification: Uncertain significance for Hereditary cancer-predisposing syndrome. Last evaluated: 2024-04-02. Review status: criteria provided, single submitter. Criteria: ACMG Guidelines, 2015. Collection method: clinical testing. Allele origin: germline.
Comment: This variant causes a T to G nucleotide substitution at the +6 position of intron 4/62 of the ATM gene. Splice site prediction tools predict that this variant may have a significant impact on RNA splicing. To our knowledge, functional studies have not been reported for this variant. This variant has not been reported in individuals affected with ATM-related disorders in the literature. This variant has not been identified in the general population by the Genome Aggregation Database (gnomAD). The available evidence is insufficient to determine the role of this variant in disease conclusively. Therefore, this variant is classified as a Variant of Uncertain Significance.

Literature cited by the submitters: PubMed 17576681 (cited by Labcorp Genetics (formerly Invitae), Labcorp); PubMed 9536098 (cited by Labcorp Genetics (formerly Invitae), Labcorp).

NM_000051.4(ATM):c.331+6T>G

Gene: ATM (ATM serine/threonine kinase; plus strand). Cytogenetic location: 11q22.3.
Variant type: single nucleotide variant.
Coding change: c.331+6T>G on transcript NM_000051.4 (MANE Select); 6 bases into the intron after coding-DNA position 331, T replaced by G.
Molecular consequence: intron variant. On other transcripts: stop lost (2).
Genome position (GRCh38, 1-based): chr11:108,229,329, T>G. VCF-style: chr11-108229329-T-G. GRCh37 (hg19) VCF-style: chr11-108100056-T-G.
Other names: *113G; c.337T>G, p.Ter113Gly (NM_001351835.2, NM_001351836.2); c.331+6T>G (NM_001351834.2).
Identifiers: ClinVar variation 490524 (VCV000490524.8), dbSNP rs1555055363, ClinGen allele CA382521868.